The following is an entry in ClinVar:

ClinVar aggregate classification (germline): Uncertain significance. Review status: criteria provided, multiple submitters, no conflicts (2 of 4 stars). 2 submissions from 2 submitters: Uncertain significance (2). Last evaluated 2024-12-05.

Conditions:
Autosomal dominant centronuclear myopathy. Also called: Myopathy, centronuclear, 3; MYOTUBULAR MYOPATHY, AUTOSOMAL DOMINANT. Identifiers: Orphanet 169189, MedGen C4551952, MeSH D020914, MONDO:0008048, OMIM 160150.
Severe X-linked myotubular myopathy (CNMX). Also called: MYOTUBULAR MYOPATHY 1; X-linked centronuclear myopathy; Myotubular myopathy, X-linked. Identifiers: Orphanet 596, MedGen C0410203, MONDO:0010683, OMIM 310400.

Submissions (2):

Labcorp Genetics (formerly Invitae), Labcorp
Classification: Uncertain significance for Severe X-linked myotubular myopathy. Last evaluated: 2024-12-05. Review status: criteria provided, single submitter. Criteria: Invitae Variant Classification Sherloc (09022015). Collection method: clinical testing. Allele origin: germline.
Comment: This sequence change replaces asparagine, which is neutral and polar, with lysine, which is basic and polar, at codon 511 of the MTM1 protein (p.Asn511Lys). This variant is not present in population databases (gnomAD no frequency). This variant has not been reported in the literature in individuals affected with MTM1-related conditions. ClinVar contains an entry for this variant (Variation ID: 634542). Invitae Evidence Modeling of protein sequence and biophysical properties (such as structural, functional, and spatial information, amino acid conservation, physicochemical variation, residue mobility, and thermodynamic stability) indicates that this missense variant is expected to disrupt MTM1 protein function with a positive predictive value of 95%. In summary, the available evidence is currently insufficient to determine the role of this variant in disease. Therefore, it has been classified as a Variant of Uncertain Significance.

Genomic Research Center, Shahid Beheshti University of Medical Sciences
Classification: Uncertain significance for Autosomal dominant centronuclear myopathy. Last evaluated: 2019-01-01. Review status: criteria provided, single submitter. Criteria: ACMG Guidelines, 2015. Collection method: clinical testing. Allele origin: unknown. Affected: yes. Observed: 1 variant allele.

NM_000252.3(MTM1):c.1533C>A (p.Asn511Lys)

Gene: MTM1 (myotubularin 1; plus strand). Cytogenetic location: Xq28.
Variant type: single nucleotide variant.
Coding change: c.1533C>A on transcript NM_000252.3 (MANE Select); coding-DNA position 1533, C replaced by A.
Protein change: p.Asn511Lys; replaces asparagine 511 with lysine.
Molecular consequence: missense variant.
Genome position (GRCh38, 1-based): chrX:150,663,498, C>A. VCF-style: chrX-150663498-C-A. GRCh37 (hg19) VCF-style: chrX-149831971-C-A.
Other names: c.1533C>A, p.Asn511Lys (NM_001376906.1, NM_001376908.1); c.1422C>A, p.Asn474Lys (NM_001376907.1); short protein forms N511K, N474K.
Identifiers: ClinVar variation 634542 (VCV000634542.9), dbSNP rs1569565536, ClinGen allele CA415260174.